The following is an entry in ClinVar:

NM_001754.5(RUNX1):c.1042C>T (p.His348Tyr)

Gene: RUNX1 (RUNX family transcription factor 1; minus strand). Cytogenetic location: 21q22.12.
Variant type: single nucleotide variant.
Coding change: c.1042C>T on transcript NM_001754.5 (MANE Select); coding-DNA position 1042, C replaced by T.
Protein change: p.His348Tyr; replaces histidine 348 with tyrosine.
Molecular consequence: missense variant.
Genome position (GRCh38, 1-based): chr21:34,792,536, G>A on the plus strand (C>T on the coding strand, the complement: RUNX1 is on the minus strand). VCF-style: chr21-34792536-G-A. GRCh37 (hg19) VCF-style: chr21-36164833-G-A.
Other names: NM_001754.5(RUNX1):c.1042C>T; p.His348Tyr; c.961C>T, p.His321Tyr (NM_001001890.3); short protein forms H348Y, H321Y.
Identifiers: ClinVar variation 962783 (VCV000962783.10), dbSNP rs2056459478, ClinGen allele CA410148400.

ClinVar aggregate classification (germline): Uncertain significance. Review status: reviewed by expert panel (3 of 4 stars). 2 submissions from 2 submitters: Uncertain significance (1). 1 of the submissions does not count toward it. Last evaluated 2025-01-15.

Conditions:
Hereditary thrombocytopenia and hematological cancer predisposition syndrome associated with RUNX1. Also called: Familial Platelet Disorder with Propensity to Acute Myelogenous Leukemia; Familial thrombocytopenia with propensity to acute myelogenous leukemia; RUNX1 Familial Platelet Disorder with Associated Myeloid Malignancies; PLATELET DISORDER, ASPIRIN-LIKE. Identifiers: Orphanet 71290, MedGen C1832388, MeSH C563324, MONDO:0100083, OMIM 601399.
Hereditary thrombocytopenia and hematologic cancer predisposition syndrome. Identifiers: Orphanet 71290, MedGen CN281654, MONDO:0011071.

Submissions (2):

ClinGen Myeloid Malignancy Variant Curation Expert Panel
Classification: Uncertain significance for Hereditary thrombocytopenia and hematologic cancer predisposition syndrome. Last evaluated: 2025-01-15. Review status: reviewed by expert panel. Criteria: ClinGen MyeloMalig ACMG Specifications v2. Collection method: curation. Allele origin: germline. Inheritance: Autosomal dominant inheritance.
Comment: NM_001754.5(RUNX1):c.1042C>T (p.His348Tyr) is a missense variant which is completely absent from all population databases with at least 20x coverage for RUNX1 (PM2_Supporting). In summary, the clinical significance of this variant is uncertain. ACMG/AMP criteria applied, as specified by the Myeloid Malignancy Variant Curation Expert Panel for RUNX1: PM2_supporting.

Labcorp Genetics (formerly Invitae), Labcorp
Classification: Uncertain significance for Hereditary thrombocytopenia and hematological cancer predisposition syndrome associated with RUNX1. Last evaluated: 2020-11-25. Review status: criteria provided, single submitter. Criteria: Invitae Variant Classification Sherloc (09022015). Collection method: clinical testing. Allele origin: germline. Not counted in ClinVar's aggregate classification.
Comment: This sequence change replaces histidine with tyrosine at codon 348 of the RUNX1 protein (p.His348Tyr). The histidine residue is moderately conserved and there is a moderate physicochemical difference between histidine and tyrosine. In summary, the available evidence is currently insufficient to determine the role of this variant in disease. Therefore, it has been classified as a Variant of Uncertain Significance. Algorithms developed to predict the effect of missense changes on protein structure and function are either unavailable or do not agree on the potential impact of this missense change (SIFT: "Tolerated"; PolyPhen-2: "Possibly Damaging"; Align-GVGD: "Class C0"). This variant has not been reported in the literature in individuals with RUNX1-related conditions. This variant is not present in population databases (ExAC no frequency).